The following is an entry in ClinVar:

NM_000524.4(HTR1A):c.1002G>A (p.Lys334=)

Gene: HTR1A (5-hydroxytryptamine receptor 1A; minus strand). Cytogenetic location: 5q12.3.
Variant type: single nucleotide variant.
Coding change: c.1002G>A on transcript NM_000524.4 (MANE Select); coding-DNA position 1002, G replaced by A.
Protein change: p.Lys334=; no amino-acid change (lysine 334 retained).
Molecular consequence: synonymous variant.
Genome position (GRCh38, 1-based): chr5:63,960,718, C>T on the plus strand (G>A on the coding strand, the complement: HTR1A is on the minus strand). VCF-style: chr5-63960718-C-T. GRCh37 (hg19) VCF-style: chr5-63256545-C-T.
Identifiers: ClinVar variation 2655489 (VCV002655489.24), dbSNP rs139026797, ClinGen allele CA3280793.

ClinVar aggregate classification (germline): Likely benign (1 of 4 stars; one submission).

Allele frequency attached by ClinVar (database versions not stated): gnomAD exomes 0.00007; ExAC 0.00021; gnomAD 0.00060; TOPMed 0.00060; ESP Exome Variant Server 0.00077; 1000 Genomes Project 0.00120; 1000 Genomes Project 30x 0.00141.

Submission:

CeGaT Center for Human Genetics Tuebingen
Classification: Likely benign. Last evaluated: 2022-09-01. Review status: criteria provided, single submitter. Criteria: CeGaT Center For Human Genetics Tuebingen Variant Classification Criteria Version 2. Collection method: clinical testing. Allele origin: germline. Affected: yes. Observed: 1 variant allele.
Comment: HTR1A: BP4, BP7